The following is an entry in ClinVar:

NM_007194.4(CHEK2):c.911T>G (p.Met304Arg)

Gene: CHEK2 (checkpoint kinase 2; minus strand). Cytogenetic location: 22q12.1.
Variant type: single nucleotide variant.
Coding change: c.911T>G on transcript NM_007194.4 (MANE Select); coding-DNA position 911, T replaced by G.
Protein change: p.Met304Arg; replaces methionine 304 with arginine.
Molecular consequence: missense variant.
Genome position (GRCh38, 1-based): chr22:28,699,935, A>C on the plus strand (T>G on the coding strand, the complement: CHEK2 is on the minus strand). VCF-style: chr22-28699935-A-C. GRCh37 (hg19) VCF-style: chr22-29095923-A-C.
Other names: c.1040T>G, p.Met347Arg (NM_001005735.3); c.248T>G, p.Met83Arg (NM_001257387.3); c.710T>G, p.Met237Arg (NM_001349956.3); c.911T>G, p.Met304Arg (NM_145862.3); short protein forms M304R, M237R, M347R, M83R.
Identifiers: ClinVar variation 1467890 (VCV001467890.7), dbSNP rs587782033, ClinGen allele CA411100208.
Genomic context (GRCh38, chr22:28,699,935, plus strand): 5'-CAGGTAGCTTCTTTCAGGCGTTTATTCCCCACCACTTTGTCAAACAGCTCTCCCCCTTCC[A>C]TCCTGAAACACAAAGGCAAGGCAAGGGGTTCATTCCTGGGGGAAAACGCACTTGGACAGA-3'
Protein context (NP_009125.1, residues 294-314): AEDYYIVLEL[Met304Arg]EGGELFDKVV

ClinVar aggregate classification (germline): Uncertain significance (1 of 4 stars; one submission).

Conditions:
Familial cancer of breast. Also called: hereditary breast carcinoma; BREAST CANCER, FAMILIAL; Hereditary breast cancer. Identifiers: Orphanet 227535, MedGen C0346153, MONDO:0016419, OMIM 114480. Disease mechanism: loss of function.

Submission:

Labcorp Genetics (formerly Invitae), Labcorp
Classification: Uncertain significance for Familial cancer of breast. Last evaluated: 2021-11-13. Review status: criteria provided, single submitter. Criteria: Invitae Variant Classification Sherloc (09022015). Collection method: clinical testing. Allele origin: germline.
Comment: Algorithms developed to predict the effect of missense changes on protein structure and function are either unavailable or do not agree on the potential impact of this missense change (SIFT: "Deleterious"; PolyPhen-2: "Probably Damaging"; Align-GVGD: "Class C0"). In summary, the available evidence is currently insufficient to determine the role of this variant in disease. Therefore, it has been classified as a Variant of Uncertain Significance. This variant has not been reported in the literature in individuals affected with CHEK2-related conditions. This variant is not present in population databases (gnomAD no frequency). This sequence change replaces methionine, which is neutral and non-polar, with arginine, which is basic and polar, at codon 304 of the CHEK2 protein (p.Met304Arg).